The following is an entry in ClinVar:

ClinVar aggregate classification (germline): Conflicting classifications of pathogenicity. Review status: criteria provided, conflicting classifications (1 of 4 stars). 6 submissions from 5 submitters: Uncertain significance (3); Likely benign (2). 1 of the submissions does not count toward it. Last evaluated 2026-01-20.

Conditions:
Thrombus. Identifiers: MedGen C0087086, MeSH D013927.
Hereditary thrombophilia due to congenital histidine-rich (poly-L) glycoprotein deficiency. Also called: THROMBOPHILIA DUE TO HISTIDINE-RICH GLYCOPROTEIN DEFICIENCY; Thrombophilia due to HRG deficiency. Identifiers: Orphanet 217467, MedGen C2751090, MONDO:0013143, OMIM 613116.
HRG-related disorder. Also called: HRG-related condition.

Allele frequency attached by ClinVar (database versions not stated): 1000 Genomes Project 0.00200; 1000 Genomes Project 30x 0.00219; ExAC 0.00259; TOPMed 0.00304; gnomAD 0.00315 and 0.00329; ESP Exome Variant Server 0.00384.
gnomAD v4.1: 6,043 of 1,614,178 alleles (0.37%); highest among the groups gnomAD compares: Non-Finnish European, 0.46%; 19 homozygotes.

Submissions (6):

Women's Health and Genetics/Laboratory Corporation of America, LabCorp
Classification: Likely benign. Last evaluated: 2026-01-20. Review status: criteria provided, single submitter. Criteria: LabCorp Variant Classification Summary - May 2015. Collection method: clinical testing. Allele origin: germline.

CeGaT Center for Human Genetics Tuebingen
Classification: Likely benign. Last evaluated: 2024-12-01. Review status: criteria provided, single submitter. Criteria: CeGaT Center For Human Genetics Tuebingen Variant Classification Criteria Version 2. Collection method: clinical testing. Allele origin: germline. Affected: yes. Observed: 3 variant alleles.
Comment: HRG: BP4, BS2

Breakthrough Genomics
Classification: Uncertain significance. Review status: criteria provided, single submitter. Criteria: ACMG Guidelines, 2015. Collection method: not provided. Allele origin: germline. Inheritance: Autosomal dominant inheritance. Affected: yes.

ISTH-SSC Genomics in Thrombosis and Hemostasis, KU Leuven, Center for Molecular and Vascular Biology
Classification: Uncertain significance for Hereditary thrombophilia due to congenital histidine-rich (poly-L) glycoprotein deficiency. Review status: criteria provided, single submitter. Criteria: ACMG Guidelines, 2015. Collection method: clinical testing. Allele origin: unknown. Affected: yes.
Comment: Submitted to GoldVariant by Kathleen Freson, Center for Molecular and Vascular Biology, Leuven, Belgium

ISTH-SSC Genomics in Thrombosis and Hemostasis, KU Leuven, Center for Molecular and Vascular Biology
Classification: Uncertain significance for Thrombus. Review status: criteria provided, single submitter. Criteria: ACMG Guidelines, 2015. Collection method: clinical testing. Allele origin: germline. Affected: yes. Observed: 1 heterozygote.
Comment: the same text as in the submission from ISTH-SSC Genomics in Thrombosis and Hemostasis, KU Leuven, Center for Molecular and Vascular Biology above.

PreventionGenetics, part of Exact Sciences
Classification: Likely benign for HRG-related condition. Last evaluated: 2022-05-09. Review status: no assertion criteria provided. Collection method: clinical testing. Allele origin: germline. Not counted in ClinVar's aggregate classification.
Comment: This variant is classified as likely benign based on ACMG/AMP sequence variant interpretation guidelines (Richards et al. 2015 PMID: 25741868, with internal and published modifications).

Literature cited by the submitters: PubMed 34355501 (cited by ISTH-SSC Genomics in Thrombosis and Hemostasis, KU Leuven, Center for Molecular and Vascular Biology).

NM_000412.5(HRG):c.125G>A (p.Arg42Gln)

Gene: HRG (histidine rich glycoprotein; plus strand). Cytogenetic location: 3q27.3.
Variant type: single nucleotide variant.
Coding change: c.125G>A on transcript NM_000412.5 (MANE Select); coding-DNA position 125, G replaced by A.
Protein change: p.Arg42Gln; replaces arginine 42 with glutamine.
Molecular consequence: missense variant.
Genome position (GRCh38, 1-based): chr3:186,666,156, G>A. VCF-style: chr3-186666156-G-A. GRCh37 (hg19) VCF-style: chr3-186383945-G-A.
Other names: short protein forms R42Q.
Identifiers: ClinVar variation 809579 (VCV000809579.39), dbSNP rs114895145, ClinGen allele CA2745544.